The following is an entry in ClinVar:

ClinVar aggregate classification (germline): Uncertain significance (1 of 4 stars; one submission).

gnomAD v4.1: 9 of 1,613,980 alleles (0.00056%); highest among the groups gnomAD compares: East Asian, 0.018%; no homozygotes.

Submission:

GeneDx
Classification: Uncertain significance. Last evaluated: 2023-12-05. Review status: criteria provided, single submitter. Criteria: GeneDx Variant Classification Process June 2021. Collection method: clinical testing. Allele origin: germline. Affected: yes.
Comment: Not observed at significant frequency in large population cohorts (gnomAD); Missense variants in this gene are a common cause of disease and they are underrepresented in the general population; In silico analysis supports that this missense variant does not alter protein structure/function; Has not been previously published as pathogenic or benign to our knowledge; This variant is associated with the following publications: (PMID: 29493581)

NM_002880.4(RAF1):c.1005G>C (p.Gln335His)

Gene: RAF1 (Raf-1 proto-oncogene, serine/threonine kinase; minus strand). Cytogenetic location: 3p25.2.
Variant type: single nucleotide variant.
Coding change: c.1005G>C on transcript NM_002880.4 (MANE Select); coding-DNA position 1005, G replaced by C.
Protein change: p.Gln335His; replaces glutamine 335 with histidine.
Molecular consequence: missense variant. On other transcripts: non-coding transcript variant (3).
Genome position (GRCh38, 1-based): chr3:12,599,794, C>G on the plus strand (G>C on the coding strand, the complement: RAF1 is on the minus strand). VCF-style: chr3-12599794-C-G. GRCh37 (hg19) VCF-style: chr3-12641293-C-G.
Other names: c.1065G>C, p.Gln355His (NM_001354689.3); c.1005G>C, p.Gln335His (NM_001354690.3); c.762G>C, p.Gln254His (NM_001354691.3, NM_001354692.3); c.906G>C, p.Gln302His (NM_001354693.3); c.822G>C, p.Gln274His (NM_001354694.3); c.663G>C, p.Gln221His (NM_001354695.3); short protein forms Q221H, Q254H, Q274H, Q302H, Q335H, Q355H.
Identifiers: ClinVar variation 3253542 (VCV003253542.1), dbSNP rs2058799269.
Genomic context (GRCh38, chr3:12,599,794, plus strand): 5'-AATCCGAGTGGACAGCATCACTTCACTGGCTTCTATTTCCCAATAATAGCTTGAATCTCT[C>G]TGTCCACGAGGCCTCTGAAACAAGTAGAGATCATTATTATACTCCATGCAATGGTAATAA-3'
Protein context (NP_002871.1, residues 325-345): QEKNKIRPRG[Gln335His]RDSSYYWEIE